The following is an entry in ClinVar:

NM_004329.3(BMPR1A):c.522T>A (p.Phe174Leu)

Gene: BMPR1A (bone morphogenetic protein receptor type 1A; plus strand). Cytogenetic location: 10q23.2.
Variant type: single nucleotide variant.
Coding change: c.522T>A on transcript NM_004329.3 (MANE Select); coding-DNA position 522, T replaced by A.
Protein change: p.Phe174Leu; replaces phenylalanine 174 with leucine.
Molecular consequence: missense variant.
Genome position (GRCh38, 1-based): chr10:86,900,118, T>A. VCF-style: chr10-86900118-T-A. GRCh37 (hg19) VCF-style: chr10-88659875-T-A.
Other names: c.522T>A (NM_004329.2); short protein forms F174L.
Identifiers: ClinVar variation 1039006 (VCV001039006.10), dbSNP rs1843288452, ClinGen allele CA377450729.

ClinVar aggregate classification (germline): Uncertain significance. Review status: criteria provided, multiple submitters, no conflicts (2 of 4 stars). 2 submissions from 2 submitters: Uncertain significance (2). Last evaluated 2023-10-22.

Conditions:
Juvenile polyposis syndrome (JPS). Identifiers: Orphanet 2929, MedGen C0345893, MONDO:0017380, OMIM 174900.
Hereditary cancer-predisposing syndrome. Also called: Neoplastic Syndromes, Hereditary; Hereditary Cancer Syndrome; Tumor predisposition; Hereditary neoplastic syndrome. Identifiers: Orphanet 140162, MedGen C0027672, MeSH D009386, MONDO:0015356.

Submissions (2):

Ambry Genetics
Classification: Uncertain significance for Hereditary cancer-predisposing syndrome. Last evaluated: 2023-10-22. Review status: criteria provided, single submitter. Criteria: Ambry Variant Classification Scheme 2023. Collection method: clinical testing. Allele origin: germline.
Comment: The p.F174L variant (also known as c.522T>A), located in coding exon 5 of the BMPR1A gene, results from a T to A substitution at nucleotide position 522. The phenylalanine at codon 174 is replaced by leucine, an amino acid with highly similar properties. This amino acid position is conserved. In addition, this alteration is predicted to be tolerated by in silico analysis. Since supporting evidence is limited at this time, the clinical significance of this alteration remains unclear.

Labcorp Genetics (formerly Invitae), Labcorp
Classification: Uncertain significance for Juvenile polyposis syndrome. Last evaluated: 2020-10-21. Review status: criteria provided, single submitter. Criteria: Invitae Variant Classification Sherloc (09022015). Collection method: clinical testing. Allele origin: germline.
Comment: This sequence change replaces phenylalanine with leucine at codon 174 of the BMPR1A protein (p.Phe174Leu). The phenylalanine residue is moderately conserved and there is a small physicochemical difference between phenylalanine and leucine. This variant is not present in population databases (ExAC no frequency). This variant has not been reported in the literature in individuals with BMPR1A-related conditions. Advanced modeling of protein sequence and biophysical properties (such as structural, functional, and spatial information, amino acid conservation, physicochemical variation, residue mobility, and thermodynamic stability) performed at Invitae indicates that this missense variant is not expected to disrupt BMPR1A protein function. In summary, the available evidence is currently insufficient to determine the role of this variant in disease. Therefore, it has been classified as a Variant of Uncertain Significance.